The following is an entry in ClinVar:

NM_004366.6(CLCN2):c.2047G>A (p.Ala683Thr)

Gene: CLCN2 (chloride voltage-gated channel 2; minus strand). Cytogenetic location: 3q27.1.
Variant type: single nucleotide variant.
Coding change: c.2047G>A on transcript NM_004366.6 (MANE Select); coding-DNA position 2047, G replaced by A.
Protein change: p.Ala683Thr; replaces alanine 683 with threonine.
Molecular consequence: missense variant.
Genome position (GRCh38, 1-based): chr3:184,353,129, C>T on the plus strand (G>A on the coding strand, the complement: CLCN2 is on the minus strand). VCF-style: chr3-184353129-C-T. GRCh37 (hg19) VCF-style: chr3-184070917-C-T.
Other names: c.1996G>A, p.Ala666Thr (NM_001171087.3); c.1915G>A, p.Ala639Thr (NM_001171088.3); c.2047G>A, p.Ala683Thr (NM_001171089.3); short protein forms A639T, A666T, A683T.
Identifiers: ClinVar variation 2158750 (VCV002158750.4), dbSNP rs1728250096, ClinGen allele CA355448047.

ClinVar aggregate classification (germline): Uncertain significance (1 of 4 stars; one submission).

Submission:

Labcorp Genetics (formerly Invitae), Labcorp
Classification: Uncertain significance. Last evaluated: 2022-05-27. Review status: criteria provided, single submitter. Criteria: Invitae Variant Classification Sherloc (09022015). Collection method: clinical testing. Allele origin: germline.
Comment: In summary, the available evidence is currently insufficient to determine the role of this variant in disease. Therefore, it has been classified as a Variant of Uncertain Significance. This sequence change replaces alanine, which is neutral and non-polar, with threonine, which is neutral and polar, at codon 683 of the CLCN2 protein (p.Ala683Thr). This variant is not present in population databases (gnomAD no frequency). This variant has not been reported in the literature in individuals affected with CLCN2-related conditions. Advanced modeling of protein sequence and biophysical properties (such as structural, functional, and spatial information, amino acid conservation, physicochemical variation, residue mobility, and thermodynamic stability) performed at Invitae indicates that this missense variant is not expected to disrupt CLCN2 protein function.